The following is an entry in ClinVar:

ClinVar aggregate classification (germline): Likely pathogenic. Review status: criteria provided, multiple submitters, no conflicts (2 of 4 stars). 2 submissions from 2 submitters: Likely pathogenic (2). Last evaluated 2024-12-10.

Conditions:
MPI-congenital disorder of glycosylation. Also called: MPI-CDG; CONGENITAL DISORDER OF GLYCOSYLATION, TYPE Ib; CDG Ib; MANNOSEPHOSPHATE ISOMERASE DEFICIENCY; PROTEIN-LOSING ENTEROPATHY-HEPATIC FIBROSIS SYNDROME; MPI DEFICIENCY. Identifiers: Orphanet 79319, MedGen C1865145, MONDO:0011257, OMIM 602579.

Submissions (2):

Natera, Inc.
Classification: Likely pathogenic for Congenital disorder of glycosylation type 1b. Last evaluated: 2024-12-10. Review status: criteria provided, single submitter. Criteria: Natera Variant Classification Schema (03/2026). Collection method: clinical testing. Allele origin: germline.
Comment: The c.488-2A>G variant in MPI is a canonical splice acceptor site variant predicted to affect pre-mRNA splicing, which may result in an abnormal transcript and altered protein product. This variant is expected to result in nonsense mediated decay, truncation, or a dysfunctional protein product. This variant is rare in the general population with a frequency below the threshold expected for the associated phenotype(s). Given the available evidence, this variant is classified as Likely Pathogenic.

Fulgent Genetics
Classification: Likely pathogenic for MPI-congenital disorder of glycosylation. Last evaluated: 2024-03-14. Review status: criteria provided, single submitter. Criteria: ACMG Guidelines, 2015. Collection method: clinical testing. Allele origin: germline.

NM_002435.3(MPI):c.488-2A>G

Gene: MPI (mannose phosphate isomerase; plus strand). Cytogenetic location: 15q24.1.
Variant type: single nucleotide variant.
Coding change: c.488-2A>G on transcript NM_002435.3 (MANE Select); the canonical splice acceptor site of the intron before coding-DNA position 488, A replaced by G.
Molecular consequence: splice acceptor variant. On other transcripts: intron variant (1).
Genome position (GRCh38, 1-based): chr15:74,893,136, A>G. VCF-style: chr15-74893136-A-G. GRCh37 (hg19) VCF-style: chr15-75185477-A-G.
Other names: c.428-2A>G (NM_001330372.2); c.488-2A>G (NM_001289155.2, NM_002435.2); c.487+334A>G (NM_001289157.2); c.338-2A>G (NM_001289156.2).
Identifiers: ClinVar variation 3577714 (VCV003577714.2).
Genomic context (GRCh38, chr15:74,893,136, plus strand): 5'-CCACTTGTGTGGGTTCCATCTTACCATTCCTGATATGGGCCCTGGGCCTTGCCTTCCTGT[A>G]GAGGTGCCTGAGTTTCAGTTCCTGATTGGAGATGAGGCAGCAACACACCTGAAGCAGACC-3'